The following is an entry in ClinVar:

ClinVar aggregate classification (germline): Uncertain significance (1 of 4 stars; one submission).

Conditions:
Spermatogenic failure 18. Identifiers: MedGen C4539783, MONDO:0054615, OMIM 617576.
Ciliary dyskinesia, primary, 37 (CILD37). Also called: CILIARY DYSKINESIA, PRIMARY, 37, WITH OR WITHOUT SITUS INVERSUS. Identifiers: MedGen C4539798, MONDO:0033204, OMIM 617577.

Allele frequency attached by ClinVar (database versions not stated): gnomAD exomes below 0.00001 and 0.00001; ExAC 0.00002.
gnomAD v4.1: 2 of 1,613,788 alleles (0.00012%); highest among the groups gnomAD compares: South Asian, 0.0022%; no homozygotes.

Submission:

Labcorp Genetics (formerly Invitae), Labcorp
Classification: Uncertain significance for Ciliary dyskinesia, primary, 37; Spermatogenic failure 18. Last evaluated: 2023-11-28. Review status: criteria provided, single submitter. Criteria: Invitae Variant Classification Sherloc (09022015). Collection method: clinical testing. Allele origin: germline.
Comment: This sequence change replaces methionine, which is neutral and non-polar, with threonine, which is neutral and polar, at codon 2215 of the DNAH1 protein (p.Met2215Thr). This variant is present in population databases (rs765762844, gnomAD 0.006%). This variant has not been reported in the literature in individuals affected with DNAH1-related conditions. ClinVar contains an entry for this variant (Variation ID: 951194). Advanced modeling of protein sequence and biophysical properties (such as structural, functional, and spatial information, amino acid conservation, physicochemical variation, residue mobility, and thermodynamic stability) performed at Invitae indicates that this missense variant is not expected to disrupt DNAH1 protein function with a negative predictive value of 80%. In summary, the available evidence is currently insufficient to determine the role of this variant in disease. Therefore, it has been classified as a Variant of Uncertain Significance.

NM_015512.5(DNAH1):c.6644T>C (p.Met2215Thr)

Gene: DNAH1 (dynein axonemal heavy chain 1; plus strand). Cytogenetic location: 3p21.1.
Variant type: single nucleotide variant.
Coding change: c.6644T>C on transcript NM_015512.5 (MANE Select); coding-DNA position 6644, T replaced by C.
Protein change: p.Met2215Thr; replaces methionine 2215 with threonine.
Molecular consequence: missense variant.
Genome position (GRCh38, 1-based): chr3:52,372,064, T>C. VCF-style: chr3-52372064-T-C. GRCh37 (hg19) VCF-style: chr3-52406080-T-C.
Other names: short protein forms M2215T.
Identifiers: ClinVar variation 951194 (VCV000951194.7), dbSNP rs765762844, ClinGen allele CA2434579.
Genomic context (GRCh38, chr3:52,372,064, plus strand): 5'-ACTACTGCAACATCATTGTGCCCACCATGGACACCGTGCAGATGTCCCATTTACTGGACA[T>C]GCTGCTCACCAACAAGAAGCCCGTGAGCACCCCCCCAGGCCCTGCCTCCACTGTCCCCAA-3'
Protein context (NP_056327.4, residues 2205-2225): DTVQMSHLLD[Met2215Thr]LLTNKKPVLC